The following is an entry in ClinVar:

NM_000918.4(P4HB):c.693C>T (p.His231=)

Gene: P4HB (prolyl 4-hydroxylase subunit beta; minus strand). Cytogenetic location: 17q25.3.
Variant type: single nucleotide variant.
Coding change: c.693C>T on transcript NM_000918.4 (MANE Select); coding-DNA position 693, C replaced by T.
Protein change: p.His231=; no amino-acid change (histidine 231 retained).
Molecular consequence: synonymous variant.
Genome position (GRCh38, 1-based): chr17:81,847,279, G>A on the plus strand (C>T on the coding strand, the complement: P4HB is on the minus strand). VCF-style: chr17-81847279-G-A. GRCh37 (hg19) VCF-style: chr17-79805155-G-A.
Identifiers: ClinVar variation 740293 (VCV000740293.36), dbSNP rs146810022, ClinGen allele CA8842883.

ClinVar aggregate classification (germline): Likely benign. Review status: criteria provided, multiple submitters, no conflicts (2 of 4 stars). 3 submissions from 3 submitters: Likely benign (3). Last evaluated 2025-12-23.

Allele frequency attached by ClinVar (database versions not stated): ESP Exome Variant Server 0.00015; 1000 Genomes Project 0.00020; gnomAD 0.00025; 1000 Genomes Project 30x 0.00031; TOPMed 0.00047.
gnomAD v4.1: 484 of 1,614,182 alleles (0.03%); highest among the groups gnomAD compares: Admixed American, 0.088%; no homozygotes.

Submissions (3):

Labcorp Genetics (formerly Invitae), Labcorp
Classification: Likely benign. Last evaluated: 2025-12-23. Review status: criteria provided, single submitter. Criteria: Invitae Variant Classification Sherloc (09022015). Collection method: clinical testing. Allele origin: germline.

CeGaT Center for Human Genetics Tuebingen
Classification: Likely benign. Last evaluated: 2024-06-01. Review status: criteria provided, single submitter. Criteria: CeGaT Center For Human Genetics Tuebingen Variant Classification Criteria Version 2. Collection method: clinical testing. Allele origin: germline. Affected: yes. Observed: 2 variant alleles.
Comment: P4HB: BP4, BP7

GeneDx
Classification: Likely benign. Last evaluated: 2019-12-24. Review status: criteria provided, single submitter. Criteria: GeneDx Variant Classification Process June 2021. Collection method: clinical testing. Allele origin: germline. Affected: yes.